The following is an entry in ClinVar:

NM_004082.5(DCTN1):c.1203G>T (p.Glu401Asp)

Gene: DCTN1 (dynactin subunit 1; minus strand). Cytogenetic location: 2p13.1.
Variant type: single nucleotide variant.
Coding change: c.1203G>T on transcript NM_004082.5 (MANE Select); coding-DNA position 1203, G replaced by T.
Protein change: p.Glu401Asp; replaces glutamic acid 401 with aspartic acid.
Molecular consequence: missense variant. On other transcripts: non-coding transcript variant (1).
Genome position (GRCh38, 1-based): chr2:74,370,270, C>A on the plus strand (G>T on the coding strand, the complement: DCTN1 is on the minus strand). VCF-style: chr2-74370270-C-A. GRCh37 (hg19) VCF-style: chr2-74597397-C-A.
Other names: c.1134G>T, p.Glu378Asp (NM_001378992.1); c.801G>T, p.Glu267Asp (NM_023019.4, NM_001135041.3); c.1143G>T, p.Glu381Asp (NM_001135040.3); c.1092G>T, p.Glu364Asp (NM_001190836.2); c.1182G>T, p.Glu394Asp (NM_001190837.2); c.1152G>T, p.Glu384Asp (NM_001378991.1); short protein forms E394D, E267D, E364D, E378D, E381D, E384D, E401D.
Identifiers: ClinVar variation 1362703 (VCV001362703.6), dbSNP rs2103655781, ClinGen allele CA347361171.

ClinVar aggregate classification (germline): Uncertain significance (1 of 4 stars; one submission).

Conditions:
Perry syndrome. Also called: PARKINSONISM WITH ALVEOLAR HYPOVENTILATION AND MENTAL DEPRESSION. Identifiers: Orphanet 178509, MedGen C1868594, MONDO:0008201, OMIM 168605.
Neuronopathy, distal hereditary motor, type 7B. Also called: HMN VIIB; LOWER MOTOR NEURON DISEASE, DYNACTIN TYPE; NEURONOPATHY, DISTAL HEREDITARY MOTOR, HARDING TYPE VIIB; NEUROPATHY, DISTAL HEREDITARY MOTOR, HARDING TYPE VIIB; NEUROPATHY, DISTAL HEREDITARY MOTOR, WITH VOCAL CORD PARALYSIS, HARDING TYPE VIIB; Distal Hereditary Motor Neuronopathy Type 7B (dHMN7B). Identifiers: Orphanet 139589, MedGen C1843315, MONDO:0011879, OMIM 607641.
Amyotrophic lateral sclerosis type 1 (ALS1). Also called: AMYOTROPHIC LATERAL SCLEROSIS 1, FAMILIAL. Identifiers: Orphanet 803, MedGen C1862939, MONDO:0007103, OMIM 105400.

Submission:

Labcorp Genetics (formerly Invitae), Labcorp
Classification: Uncertain significance for Amyotrophic lateral sclerosis type 1; Neuronopathy, distal hereditary motor, type 7B; Perry syndrome. Last evaluated: 2021-10-11. Review status: criteria provided, single submitter. Criteria: Invitae Variant Classification Sherloc (09022015). Collection method: clinical testing. Allele origin: germline.
Comment: This sequence change replaces glutamic acid with aspartic acid at codon 401 of the DCTN1 protein (p.Glu401Asp). The glutamic acid residue is highly conserved and there is a small physicochemical difference between glutamic acid and aspartic acid. In summary, the available evidence is currently insufficient to determine the role of this variant in disease. Therefore, it has been classified as a Variant of Uncertain Significance. Algorithms developed to predict the effect of missense changes on protein structure and function are either unavailable or do not agree on the potential impact of this missense change (SIFT: "Deleterious"; PolyPhen-2: "Benign"; Align-GVGD: "Class C35"). This variant has not been reported in the literature in individuals affected with DCTN1-related conditions. This variant is not present in population databases (ExAC no frequency).